The following is an entry in ClinVar:

NM_152703.5(SAMD9L):c.4748T>A (p.Val1583Glu)

Gene: SAMD9L (sterile alpha motif domain containing 9 like; minus strand). Cytogenetic location: 7q21.2.
Variant type: single nucleotide variant.
Coding change: c.4748T>A on transcript NM_152703.5 (MANE Select); coding-DNA position 4748, T replaced by A.
Protein change: p.Val1583Glu; replaces valine 1583 with glutamic acid.
Molecular consequence: missense variant.
Genome position (GRCh38, 1-based): chr7:93,131,224, A>T on the plus strand (T>A on the coding strand, the complement: SAMD9L is on the minus strand). VCF-style: chr7-93131224-A-T. GRCh37 (hg19) VCF-style: chr7-92760537-A-T.
Other names: c.4748T>A, p.Val1583Glu (NM_001303496.3, NM_001303497.3, NM_001303498.3 and 5 more transcripts); short protein forms V1583E.
Identifiers: ClinVar variation 3792259 (VCV003792259.1).

ClinVar aggregate classification (germline): Uncertain significance (1 of 4 stars; one submission).

Conditions:
Inborn genetic diseases. Identifiers: MedGen C0950123, MeSH D030342.

Submission:

Ambry Genetics
Classification: Uncertain significance for Inborn genetic diseases. Last evaluated: 2024-12-30. Review status: criteria provided, single submitter. Criteria: Ambry Variant Classification Scheme 2023. Collection method: clinical testing. Allele origin: germline.
Comment: The p.V1583E variant (also known as c.4748T>A), located in coding exon 1 of the SAMD9L gene, results from a T to A substitution at nucleotide position 4748. The valine at codon 1583 is replaced by glutamic acid, an amino acid with dissimilar properties. This amino acid position is conserved. In addition, this alteration is predicted to be tolerated by in silico analysis. Based on the available evidence, the clinical significance of this variant remains unclear.